The following is an entry in ClinVar:

ClinVar aggregate classification (germline): Uncertain significance (1 of 4 stars; one submission).

Submission:

Labcorp Genetics (formerly Invitae), Labcorp
Classification: Uncertain significance. Last evaluated: 2021-11-05. Review status: criteria provided, single submitter. Criteria: Invitae Variant Classification Sherloc (09022015). Collection method: clinical testing. Allele origin: germline.
Comment: In summary, the available evidence is currently insufficient to determine the role of this variant in disease. Therefore, it has been classified as a Variant of Uncertain Significance. Variants that disrupt the consensus splice site are a relatively common cause of aberrant splicing (PMID: 17576681, 9536098). Algorithms developed to predict the effect of sequence changes on RNA splicing suggest that this variant may disrupt the consensus splice site. This variant has not been reported in the literature in individuals affected with RXYLT1-related conditions. This variant is not present in population databases (gnomAD no frequency). This sequence change falls in intron 2 of the RXYLT1 gene. It does not directly change the encoded amino acid sequence of the RXYLT1 protein. It affects a nucleotide within the consensus splice site.

Literature cited by the submitters: PubMed 17576681; PubMed 9536098.

NM_014254.3(RXYLT1):c.325+5G>A

Gene: RXYLT1 (ribitol xylosyltransferase 1; plus strand). Cytogenetic location: 12q14.2.
Variant type: single nucleotide variant.
Coding change: c.325+5G>A on transcript NM_014254.3 (MANE Select); 5 bases into the intron after coding-DNA position 325, G replaced by A.
Molecular consequence: intron variant.
Genome position (GRCh38, 1-based): chr12:63,781,179, G>A. VCF-style: chr12-63781179-G-A. GRCh37 (hg19) VCF-style: chr12-64174959-G-A.
Other names: c.-456+5G>A (NM_001278237.2).
Identifiers: ClinVar variation 1471688 (VCV001471688.6), dbSNP rs1897675110, ClinGen allele CA2041869001.
Genomic context (GRCh38, chr12:63,781,179, plus strand): 5'-ATCCACGAAAGGAAAAACAGATCTCAGTGTACAAATCTGGGGCAAAGCTGCCATTGGTAA[G>A]TTAATACGTAGAAGGAAGACATGTAAAAAGCATTATAAAATGTATTTTATTGATATGAAA-3'